The following is an entry in ClinVar:

NM_000545.8(HNF1A):c.429C>G (p.His143Gln)

Gene: HNF1A (HNF1 homeobox A; plus strand). Cytogenetic location: 12q24.31.
Variant type: single nucleotide variant.
Coding change: c.429C>G on transcript NM_000545.8 (MANE Select); coding-DNA position 429, C replaced by G.
Protein change: p.His143Gln; replaces histidine 143 with glutamine.
Molecular consequence: missense variant.
Genome position (GRCh38, 1-based): chr12:120,988,935, C>G. VCF-style: chr12-120988935-C-G. GRCh37 (hg19) VCF-style: chr12-121426738-C-G.
Other names: NM_001306179.2:c.429C>G; NM_000545.8(HNF1A):c.429C>G; p.His143Gln; c.429C>G (NM_000545.5, NM_000545.6); c.429C>G, p.His143Gln (NM_001306179.2); short protein forms H143Q.
Identifiers: ClinVar variation 1327604 (VCV001327604.7), dbSNP rs2135832689, ClinGen allele CA386959959.

ClinVar aggregate classification (germline): Likely pathogenic. Review status: reviewed by expert panel (3 of 4 stars). 4 submissions from 4 submitters: Likely pathogenic (1). 3 of the submissions do not count toward it. Last evaluated 2025-09-26.

Conditions:
Monogenic diabetes. Identifiers: Orphanet 183625, MedGen C3888631, MONDO:0015967.
HNF1A-related disorder. Also called: HNF1A-related condition.

Submissions (4):

ClinGen Monogenic Diabetes Variant Curation Expert Panel
Classification: Likely pathogenic for Monogenic diabetes. Last evaluated: 2025-09-26. Review status: reviewed by expert panel. Criteria: ClinGen Diabetes ACMG Specifications HNF1A V3.0.0. Collection method: curation. Allele origin: germline. Inheritance: Autosomal dominant inheritance.
Comment: The c.429C>G variant in the HNF1 homeobox A gene, HNF1A, causes an amino acid change of histidine to glutamine at codon 143 (p.(His143Gln)) of NM_000545.8. This variant resides in an amino acid within the HNF1α DNA binding domain that directly binds DNA, which is defined as critical for the protein’s function by the ClinGen MDEP (PM1), and is absent in gnomAD 2.1.1 and v4.1.0 (PM2_Supporting). This variant is predicted to be deleterious by computational evidence, with a REVEL score of 0.948, which is greater than [or equal to] the MDEP threshold of 0.70 (PP3). Another missense variant, c.427C>T (p.His143Tyr), has been classified as pathogenic by the ClinGen MDEP but has a greater Grantham distance than p.His143Gln (PM5_Supporting). This variant was identified in an individual with a clinical history highly specific for HNF1A-MODY (MODY probability calculator result >50%, negative genetic testing for HNF4A) (PP4; internal lab contributor); however, PS4_Moderate cannot be applied because this number is below the ClinGen MDEP threshold (PMID 23348805/internal lab contributor). This variant segregated with diabetes with one informative meiosis in this individual's family, however, this does not meet the thresholds for PP1 set by the ClinGen MDEP (PMID: 27236918; internal lab contributor). Taken together, this evidence supports the classification of this variant as likely pathogenic for monogenic diabetes. ACMG/AMP criteria applied, as specified by the by the ClinGen MDEP VCEP (specification version 3.0, approved 6/30/2025): PM1, PP3, PP4, PM2_Supporting, PM5_Supporting.

GeneDx
Classification: Likely pathogenic. Last evaluated: 2026-02-10. Review status: criteria provided, single submitter. Criteria: GeneDx Variant Classification Process June 2021. Collection method: clinical testing. Allele origin: germline. Not counted in ClinVar's aggregate classification.
Comment: Reported in association with MODY in the literature (PMID: 36257325, 23348805); however, proband clinical information limited or not provided; Not observed at significant frequency in large population cohorts (gnomAD); In silico analysis supports that this missense variant has a deleterious effect on protein structure/function; This variant is associated with the following publications: (PMID: 36257325, 12453420, 23348805)

Labcorp Genetics (formerly Invitae), Labcorp
Classification: Uncertain significance. Last evaluated: 2026-01-08. Review status: criteria provided, single submitter. Criteria: Invitae Variant Classification Sherloc (09022015). Collection method: clinical testing. Allele origin: germline. Not counted in ClinVar's aggregate classification.
Comment: This sequence change replaces histidine, which is basic and polar, with glutamine, which is neutral and polar, at codon 143 of the HNF1A protein (p.His143Gln). This variant is not present in population databases (gnomAD no frequency). This missense change has been observed in individual(s) with maturity-onset diabetes of the young (internal data). ClinVar contains an entry for this variant (Variation ID: 1327604). Invitae Evidence Modeling of protein sequence and biophysical properties (such as structural, functional, and spatial information, amino acid conservation, physicochemical variation, residue mobility, and thermodynamic stability) has been performed for this missense variant. However, the output from this modeling did not meet the statistical confidence thresholds required to predict the impact of this variant on HNF1A protein function. This variant disrupts the p.His143 amino acid residue in HNF1A. Other variant(s) that disrupt this residue have been observed in individuals with HNF1A-related conditions (PMID: 9075819; internal data), which suggests that this may be a clinically significant amino acid residue. In summary, the available evidence is currently insufficient to determine the role of this variant in disease. Therefore, it has been classified as a Variant of Uncertain Significance.

PreventionGenetics, part of Exact Sciences
Classification: Likely pathogenic for HNF1A-related condition. Last evaluated: 2023-06-26. Review status: criteria provided, single submitter. Criteria: ACMG Guidelines, 2015. Collection method: clinical testing. Allele origin: germline. Not counted in ClinVar's aggregate classification.
Comment: The HNF1A c.429C>G variant is predicted to result in the amino acid substitution p.His143Gln. This variant was reported in an individual with maturity-onset diabetes (Colclough et al 2013. PubMed ID: 23348805). Two other missense changes at the same amino acid position, c.427C>T (p.His143Tyr) and c.427C>A (His143Asn), have previously been reported individuals with maturity-onset diabetes (Horikawa et al 2014. PubMed ID: 24905847; Hansen et al 1997. PubMed ID: 9075819). This variant has also been interpreted as likely pathogenic by the ClinGen Monogenic Diabetes variant curation expert panel. This variant has not been reported in a large population database, indicating this variant is rare. This variant is interpreted as likely pathogenic.

Literature cited by the submitters: PubMed 23348805 (cited by ClinGen Monogenic Diabetes Variant Curation Expert Panel); PubMed 27236918 (cited by ClinGen Monogenic Diabetes Variant Curation Expert Panel); PubMed 9075819 (cited by Labcorp Genetics (formerly Invitae), Labcorp).